The following is an entry in ClinVar:

NM_206933.4(USH2A):c.6791C>G (p.Pro2264Arg)

Gene: USH2A (usherin; minus strand). Cytogenetic location: 1q41.
Variant type: single nucleotide variant.
Coding change: c.6791C>G on transcript NM_206933.4 (MANE Select); coding-DNA position 6791, C replaced by G.
Protein change: p.Pro2264Arg; replaces proline 2264 with arginine.
Molecular consequence: missense variant.
Genome position (GRCh38, 1-based): chr1:215,993,034, G>C on the plus strand (C>G on the coding strand, the complement: USH2A is on the minus strand). VCF-style: chr1-215993034-G-C. GRCh37 (hg19) VCF-style: chr1-216166376-G-C.
Other names: short protein forms P2264R.
Identifiers: ClinVar variation 1348331 (VCV001348331.8), dbSNP rs1668037653, ClinGen allele CA344860173.

ClinVar aggregate classification (germline): Uncertain significance (1 of 4 stars; one submission).

Allele frequency attached by ClinVar (database versions not stated): gnomAD 0.00001.
gnomAD v4.1: 1 of 1,613,920 alleles (0.000062%); highest among the groups gnomAD compares: African/African-American, 0.0013%; no homozygotes.

Submission:

Labcorp Genetics (formerly Invitae), Labcorp
Classification: Uncertain significance. Last evaluated: 2022-08-09. Review status: criteria provided, single submitter. Criteria: Invitae Variant Classification Sherloc (09022015). Collection method: clinical testing. Allele origin: germline.
Comment: Algorithms developed to predict the effect of missense changes on protein structure and function (SIFT, PolyPhen-2, Align-GVGD) all suggest that this variant is likely to be disruptive. This sequence change replaces proline, which is neutral and non-polar, with arginine, which is basic and polar, at codon 2264 of the USH2A protein (p.Pro2264Arg). This variant is not present in population databases (gnomAD no frequency). This variant has not been reported in the literature in individuals affected with USH2A-related conditions. ClinVar contains an entry for this variant (Variation ID: 1348331). In summary, the available evidence is currently insufficient to determine the role of this variant in disease. Therefore, it has been classified as a Variant of Uncertain Significance.